The following is an entry in ClinVar:

ClinVar aggregate classification (germline): Uncertain significance. Review status: criteria provided, multiple submitters, no conflicts (2 of 4 stars). 4 submissions from 4 submitters: Uncertain significance (4). Last evaluated 2025-03-22.

Conditions:
Hereditary cancer-predisposing syndrome. Also called: Hereditary Cancer Syndrome; Hereditary neoplastic syndrome; Neoplastic Syndromes, Hereditary; Tumor predisposition. Identifiers: Orphanet 140162, MedGen C0027672, MeSH D009386, MONDO:0015356.
Familial cancer of breast. Also called: Hereditary breast cancer; BREAST CANCER, FAMILIAL; hereditary breast carcinoma. Identifiers: Orphanet 227535, MedGen C0346153, MONDO:0016419, OMIM 114480. Disease mechanism: loss of function.

Allele frequency attached by ClinVar (database versions not stated): gnomAD exomes 0.00001.
gnomAD v4.1: 9 of 1,614,164 alleles (0.00056%); highest among the groups gnomAD compares: Non-Finnish European, 0.00068%; no homozygotes.

Submissions (4):

Labcorp Genetics (formerly Invitae), Labcorp
Classification: Uncertain significance for Familial cancer of breast. Last evaluated: 2025-03-22. Review status: criteria provided, single submitter. Criteria: Invitae Variant Classification Sherloc (09022015). Collection method: clinical testing. Allele origin: germline.
Comment: This sequence change replaces alanine, which is neutral and non-polar, with proline, which is neutral and non-polar, at codon 758 of the BARD1 protein (p.Ala758Pro). This variant is not present in population databases (gnomAD no frequency). This variant has not been reported in the literature in individuals affected with BARD1-related conditions. ClinVar contains an entry for this variant (Variation ID: 216442). An algorithm developed to predict the effect of missense changes on protein structure and function (PolyPhen-2) suggests that this variant is likely to be disruptive. In summary, the available evidence is currently insufficient to determine the role of this variant in disease. Therefore, it has been classified as a Variant of Uncertain Significance.

Center for Genomic Medicine, Rigshospitalet, Copenhagen University Hospital
Classification: Uncertain significance. Last evaluated: 2025-03-04. Review status: criteria provided, single submitter. Criteria: ACMG Guidelines, 2015. Collection method: clinical testing. Allele origin: germline.

Baylor Genetics
Classification: Uncertain significance for Familial cancer of breast. Last evaluated: 2023-09-20. Review status: criteria provided, single submitter. Criteria: ACMG Guidelines, 2015. Collection method: clinical testing. Allele origin: unknown.

Ambry Genetics
Classification: Uncertain significance for Hereditary cancer-predisposing syndrome. Last evaluated: 2023-02-10. Review status: criteria provided, single submitter. Criteria: Ambry Variant Classification Scheme 2023. Collection method: clinical testing. Allele origin: germline.
Comment: The p.A758P variant (also known as c.2272G>C), located in coding exon 11 of the BARD1 gene, results from a G to C substitution at nucleotide position 2272. The alanine at codon 758 is replaced by proline, an amino acid with highly similar properties. This amino acid position is conserved. In addition, the in silico prediction for this alteration is inconclusive. Since supporting evidence is limited at this time, the clinical significance of this alteration remains unclear.

NM_000465.4(BARD1):c.2272G>C (p.Ala758Pro)

Gene: BARD1 (BRCA1 associated RING domain 1; minus strand). Cytogenetic location: 2q35.
Variant type: single nucleotide variant.
Coding change: c.2272G>C on transcript NM_000465.4 (MANE Select); coding-DNA position 2272, G replaced by C.
Protein change: p.Ala758Pro; replaces alanine 758 with proline.
Molecular consequence: missense variant. On other transcripts: non-coding transcript variant (3).
Genome position (GRCh38, 1-based): chr2:214,728,738, C>G on the plus strand (G>C on the coding strand, the complement: BARD1 is on the minus strand). VCF-style: chr2-214728738-C-G. GRCh37 (hg19) VCF-style: chr2-215593462-C-G.
Other names: c.2215G>C, p.Ala739Pro (NM_001282543.2); c.919G>C, p.Ala307Pro (NM_001282545.2); c.862G>C, p.Ala288Pro (NM_001282548.2); c.733G>C, p.Ala245Pro (NM_001282549.2); short protein forms A758P, A739P, A245P, A307P, A288P.
Identifiers: ClinVar variation 216442 (VCV000216442.14), dbSNP rs863224672, ClinGen allele CA336740.